The following is an entry in ClinVar:

ClinVar aggregate classification (germline): Uncertain significance (1 of 4 stars; one submission).

Conditions:
Baller-Gerold syndrome (BGS). Also called: CRANIOSYNOSTOSIS WITH RADIAL DEFECTS. Identifiers: Orphanet 1225, MedGen C0265308, MONDO:0009039, OMIM 218600.

Allele frequency attached by ClinVar (database versions not stated): gnomAD 0.00001; gnomAD exomes 0.00001; ExAC 0.00002; TOPMed 0.00002.

Submission:

Labcorp Genetics (formerly Invitae), Labcorp
Classification: Uncertain significance for Baller-Gerold syndrome. Last evaluated: 2025-11-02. Review status: criteria provided, single submitter. Criteria: Invitae Variant Classification Sherloc (09022015). Collection method: clinical testing. Allele origin: germline.
Comment: This sequence change replaces glutamic acid, which is acidic and polar, with lysine, which is basic and polar, at codon 295 of the RECQL4 protein (p.Glu295Lys). This variant is present in population databases (rs755963144, gnomAD 0.003%). This variant has not been reported in the literature in individuals affected with RECQL4-related conditions. ClinVar contains an entry for this variant (Variation ID: 664294). An algorithm developed to predict the effect of missense changes on protein structure and function outputs the following: PolyPhen-2: "Not Available". The lysine amino acid residue is found in multiple mammalian species, which suggests that this missense change does not adversely affect protein function. In summary, the available evidence is currently insufficient to determine the role of this variant in disease. Therefore, it has been classified as a Variant of Uncertain Significance.

NM_004260.4(RECQL4):c.883G>A (p.Glu295Lys)

Gene: RECQL4 (RecQ like helicase 4; minus strand). Cytogenetic location: 8q24.3.
Variant type: single nucleotide variant.
Coding change: c.883G>A on transcript NM_004260.4 (MANE Select); coding-DNA position 883, G replaced by A.
Protein change: p.Glu295Lys; replaces glutamic acid 295 with lysine.
Molecular consequence: missense variant.
Genome position (GRCh38, 1-based): chr8:144,516,236, C>T on the plus strand (G>A on the coding strand, the complement: RECQL4 is on the minus strand). VCF-style: chr8-144516236-C-T. GRCh37 (hg19) VCF-style: chr8-145741620-C-T.
Other names: short protein forms E295K.
Identifiers: ClinVar variation 664294 (VCV000664294.7), dbSNP rs755963144, ClinGen allele CA4949156.